The following is an entry in ClinVar:

NM_020754.4(ARHGAP31):c.3955G>A (p.Asp1319Asn)

Gene: ARHGAP31 (Rho GTPase activating protein 31; plus strand). Cytogenetic location: 3q13.33.
Variant type: single nucleotide variant.
Coding change: c.3955G>A on transcript NM_020754.4 (MANE Select); coding-DNA position 3955, G replaced by A.
Protein change: p.Asp1319Asn; replaces aspartic acid 1319 with asparagine.
Molecular consequence: missense variant.
Genome position (GRCh38, 1-based): chr3:119,415,884, G>A. VCF-style: chr3-119415884-G-A. GRCh37 (hg19) VCF-style: chr3-119134731-G-A.
Other names: short protein forms D1319N.
Identifiers: ClinVar variation 2497831 (VCV002497831.1), dbSNP rs761270658, ClinGen allele CA2554283.
Genomic context (GRCh38, chr3:119,415,884, plus strand): 5'-TCCACCCAGGATGCAGTAGTGCAATGCAGAAAGCGCATGTCAGAGACAGAGCCATCTGGG[G>A]ACAACCTTCTTTCTTCAAAACTAGAGCGACCATCTGGGGGTTCTAAGCCTTTCCACAGGT-3'
Protein context (NP_065805.2, residues 1309-1329): KRMSETEPSG[Asp1319Asn]NLLSSKLERP

ClinVar aggregate classification (germline): Uncertain significance (1 of 4 stars; one submission).

Allele frequency attached by ClinVar (database versions not stated): ExAC 0.00002; gnomAD 0.00002; TOPMed 0.00002.
gnomAD v4.1: 3 of 1,614,080 alleles (0.00019%); highest among the groups gnomAD compares: African/African-American, 0.004%; no homozygotes.

Submission:

GeneDx
Classification: Uncertain significance. Last evaluated: 2022-10-06. Review status: criteria provided, single submitter. Criteria: GeneDx Variant Classification Process June 2021. Collection method: clinical testing. Allele origin: germline. Affected: yes.
Comment: In silico analysis supports that this missense variant does not alter protein structure/function; Has not been previously published as pathogenic or benign to our knowledge